The following is an entry in ClinVar:

NM_001717.4(BNC1):c.42C>T (p.Ala14=)

Gene: BNC1 (basonuclin zinc finger protein 1; minus strand). Cytogenetic location: 15q25.2.
Variant type: single nucleotide variant.
Coding change: c.42C>T on transcript NM_001717.4 (MANE Select); coding-DNA position 42, C replaced by T.
Protein change: p.Ala14=; no amino-acid change (alanine 14 retained).
Molecular consequence: synonymous variant.
Genome position (GRCh38, 1-based): chr15:83,284,587, G>A on the plus strand (C>T on the coding strand, the complement: BNC1 is on the minus strand). VCF-style: chr15-83284587-G-A. GRCh37 (hg19) VCF-style: chr15-83953339-G-A.
Identifiers: ClinVar variation 2645645 (VCV002645645.24), dbSNP rs553888762, ClinGen allele CA7704236.
Genomic context (GRCh38, chr15:83,284,587, plus strand): 5'-TACCTCGGCCATCCTGCGACCGCTGCGGTGCCGGGGCTGCCGGCGCGTCTCCCGGGCCCG[G>A]GCCGCCCCGCGTCCGCCCCGGCTCGGCGGGCGCCGCCGCATCCACGCTCCGGCCGTCGGG-3'
Protein context (NP_001708.3, residues 4-24): RPPSRGGRGA[Ala14=]RARETRRQPR

ClinVar aggregate classification (germline): Likely benign (1 of 4 stars; one submission).

Allele frequency attached by ClinVar (database versions not stated): 1000 Genomes Project 0.00060; 1000 Genomes Project 30x 0.00453; TOPMed 0.00458; gnomAD 0.00484; gnomAD exomes 0.00614.
gnomAD v4.1: 6,193 of 1,040,982 alleles (0.59%); highest among the groups gnomAD compares: Middle Eastern, 1.2%; 27 homozygotes.

Submission:

CeGaT Center for Human Genetics Tuebingen
Classification: Likely benign. Last evaluated: 2024-02-01. Review status: criteria provided, single submitter. Criteria: CeGaT Center For Human Genetics Tuebingen Variant Classification Criteria Version 2. Collection method: clinical testing. Allele origin: germline. Affected: yes. Observed: 2 variant alleles.
Comment: BNC1: BP4, BP7, BS2